The following is an entry in ClinVar:

ClinVar aggregate classification (germline): Benign (3 of 4 stars; one submission).

Conditions:
Breast-ovarian cancer, familial, susceptibility to, 2 (BROVCA2). Also called: BRCA2 Hereditary Breast and Ovarian Cancer. Identifiers: Orphanet 145, MedGen C2675520, MONDO:0012933, OMIM 612555. Disease mechanism: loss of function.

Allele frequency attached by ClinVar (database versions not stated): gnomAD 0.00720 and 0.00769; TOPMed 0.00798; 1000 Genomes Project 0.00919; 1000 Genomes Project 30x 0.00999.
gnomAD v4.1: 1,078 of 152,278 alleles (0.71%); highest among the groups gnomAD compares: African/African-American, 2.5%; 12 homozygotes.

Submission:

Evidence-based Network for the Interpretation of Germline Mutant Alleles (ENIGMA)
Classification: Benign for Breast-ovarian cancer, familial 2. Last evaluated: 2015-01-12. Review status: reviewed by expert panel. Criteria: ENIGMA BRCA1/2 Classification Criteria (2015). Collection method: curation. Allele origin: germline.
Comment: Class 1 not pathogenic based on frequency >1% in an outbred sampleset. Frequency 0.03252 (African), derived from 1000 genomes (2012-04-30).

NM_000059.4(BRCA2):c.317-383A>G

Gene: BRCA2 (BRCA2 DNA repair associated; plus strand). Cytogenetic location: 13q13.1.
Variant type: single nucleotide variant.
Coding change: c.317-383A>G on transcript NM_000059.4 (MANE Select); 383 bases into the intron before coding-DNA position 317, A replaced by G.
Molecular consequence: intron variant.
Genome position (GRCh38, 1-based): chr13:32,324,693, A>G. VCF-style: chr13-32324693-A-G. GRCh37 (hg19) VCF-style: chr13-32898830-A-G.
Other names: IVS 3-383A>G.
Identifiers: ClinVar variation 209641 (VCV000209641.1), dbSNP rs11571606, ClinGen allele CA276610.